The following is an entry in ClinVar:

NM_000264.5(PTCH1):c.2117G>A (p.Ser706Asn)

Genes: PTCH1 (patched 1; minus strand), LOC100507346 (uncharacterized LOC100507346; plus strand). Cytogenetic location: 9q22.32.
Variant type: single nucleotide variant.
Coding change: c.2117G>A on transcript NM_000264.5 (MANE Select); coding-DNA position 2117, G replaced by A.
Protein change: p.Ser706Asn; replaces serine 706 with asparagine.
Molecular consequence: missense variant. On other transcripts: non-coding transcript variant (2).
Genome position (GRCh38, 1-based): chr9:95,468,884, C>T on the plus strand (G>A on the coding strand, the complement: PTCH1 is on the minus strand). VCF-style: chr9-95468884-C-T. GRCh37 (hg19) VCF-style: chr9-98231166-C-T.
Other names: c.1919G>A, p.Ser640Asn (NM_001083602.3); c.2114G>A, p.Ser705Asn (NM_001083603.3); c.1664G>A, p.Ser555Asn (NM_001083604.3, NM_001083605.3, NM_001083606.3 and 1 more transcripts); c.1961G>A, p.Ser654Asn (NM_001354918.2); short protein forms S555N, S706N, S654N, S705N, S640N.
Identifiers: ClinVar variation 1353176 (VCV001353176.11), dbSNP rs140497736, ClinGen allele CA374115620.

ClinVar aggregate classification (germline): Uncertain significance. Review status: criteria provided, multiple submitters, no conflicts (2 of 4 stars). 2 submissions from 2 submitters: Uncertain significance (2). Last evaluated 2025-05-13.

Conditions:
Gorlin syndrome. Also called: Basal cell nevus syndrome; Nevoid Basal Cell Carcinoma Syndrome. Identifiers: Orphanet 377, MedGen C0004779, MONDO:0007187.
Hereditary cancer-predisposing syndrome. Also called: Hereditary Cancer Syndrome; Hereditary neoplastic syndrome; Tumor predisposition; Neoplastic Syndromes, Hereditary. Identifiers: Orphanet 140162, MedGen C0027672, MeSH D009386, MONDO:0015356.

gnomAD v4.1: 1 of 1,614,124 alleles (0.000062%); highest among the groups gnomAD compares: Non-Finnish European, 0.000085%; no homozygotes.

Submissions (2):

Labcorp Genetics (formerly Invitae), Labcorp
Classification: Uncertain significance for Gorlin syndrome. Last evaluated: 2025-05-13. Review status: criteria provided, single submitter. Criteria: Invitae Variant Classification Sherloc (09022015). Collection method: clinical testing. Allele origin: germline.
Comment: This sequence change replaces serine, which is neutral and polar, with asparagine, which is neutral and polar, at codon 706 of the PTCH1 protein (p.Ser706Asn). This variant is not present in population databases (gnomAD no frequency). This variant has not been reported in the literature in individuals affected with PTCH1-related conditions. ClinVar contains an entry for this variant (Variation ID: 1353176). Invitae Evidence Modeling of protein sequence and biophysical properties (such as structural, functional, and spatial information, amino acid conservation, physicochemical variation, residue mobility, and thermodynamic stability) has been performed for this missense variant. However, the output from this modeling did not meet the statistical confidence thresholds required to predict the impact of this variant on PTCH1 protein function. In summary, the available evidence is currently insufficient to determine the role of this variant in disease. Therefore, it has been classified as a Variant of Uncertain Significance.

Ambry Genetics
Classification: Uncertain significance for Hereditary cancer-predisposing syndrome. Last evaluated: 2024-12-15. Review status: criteria provided, single submitter. Criteria: Ambry Variant Classification Scheme 2023. Collection method: clinical testing. Allele origin: germline.
Comment: The p.S706N variant (also known as c.2117G>A), located in coding exon 14 of the PTCH1 gene, results from a G to A substitution at nucleotide position 2117. The serine at codon 706 is replaced by asparagine, an amino acid with highly similar properties. This amino acid position is highly conserved in available vertebrate species. In addition, this alteration is predicted to be tolerated by in silico analysis. Since supporting evidence is limited at this time, the clinical significance of this alteration remains unclear.